The following is an entry in ClinVar:

NM_000018.4(ACADVL):c.1103A>T (p.Gln368Leu)

Gene: ACADVL (acyl-CoA dehydrogenase very long chain; plus strand). Cytogenetic location: 17p13.1.
Variant type: single nucleotide variant.
Coding change: c.1103A>T on transcript NM_000018.4 (MANE Select); coding-DNA position 1103, A replaced by T.
Protein change: p.Gln368Leu; replaces glutamine 368 with leucine.
Molecular consequence: missense variant.
Genome position (GRCh38, 1-based): chr17:7,223,158, A>T. VCF-style: chr17-7223158-A-T. GRCh37 (hg19) VCF-style: chr17-7126477-A-T.
Other names: c.1037A>T, p.Gln346Leu (NM_001033859.3); c.1172A>T, p.Gln391Leu (NM_001270447.2); c.875A>T, p.Gln292Leu (NM_001270448.2); short protein forms Q292L, Q346L, Q391L, Q368L.
Identifiers: ClinVar variation 932878 (VCV000932878.2), dbSNP rs776063244, ClinGen allele CA397724360.

ClinVar aggregate classification (germline): Uncertain significance (1 of 4 stars; one submission).

Conditions:
Very long chain acyl-CoA dehydrogenase deficiency (ACADVLD). Also called: Very Long-Chain Acyl-Coenzyme A Dehydrogenase Deficiency; VLCAD Deficiency. Identifiers: Orphanet 26793, MedGen C3887523, MONDO:0008723, OMIM 201475.

Submission:

Wong Mito Lab, Molecular and Human Genetics, Baylor College of Medicine
Classification: Uncertain significance for Very long chain acyl-CoA dehydrogenase deficiency. Last evaluated: 2019-11-01. Review status: criteria provided, single submitter. Criteria: ACMG Guidelines, 2015. Collection method: clinical testing. Allele origin: germline.
Comment: The NM_000018.3:c.1103A>T (NP_000009.1:p.Gln368Leu) [GRCH38: NC_000017.11:g.7223158A>T] variant in ACADVL gene is interpretated to be Uncertain Significance based on ACMG guidelines (PMID: 25741868). This variant has been reported. This variant meets the following evidence codes reported in the ACMG guidelines: PM1, PP3